The following is an entry in ClinVar:

NM_000132.4(F8):c.3169G>A (p.Glu1057Lys)

Gene: F8 (coagulation factor VIII; minus strand). Cytogenetic location: Xq28.
Variant type: single nucleotide variant.
Coding change: c.3169G>A on transcript NM_000132.4 (MANE Select); coding-DNA position 3169, G replaced by A.
Protein change: p.Glu1057Lys; replaces glutamic acid 1057 with lysine.
Molecular consequence: missense variant.
Genome position (GRCh38, 1-based): chrX:154,930,621, C>T on the plus strand (G>A on the coding strand, the complement: F8 is on the minus strand). VCF-style: chrX-154930621-C-T. GRCh37 (hg19) VCF-style: chrX-154158896-C-T.
Other names: F8, GLU1038LYS; E1038K; NM_000132.4(F8):c.3169G>A; short protein forms E1057K.
Identifiers: ClinVar variation 10251 (VCV000010251.12), dbSNP rs28933673, ClinGen allele CA255144.

ClinVar aggregate classification (germline): Benign. Review status: reviewed by expert panel (3 of 4 stars). 11 submissions from 11 submitters: Benign (1). 10 of the submissions do not count toward it. Last evaluated 2025-05-02.

Conditions:
Thrombophilia, X-linked, due to factor 8 defect. Also called: Thrombophilia 13, X-linked, due to factor VIII defect; THROMBOPHILIA, X-LINKED, DUE TO FACTOR VIII DEFECT. Identifiers: MedGen C5676879, MONDO:0859082, OMIM 301071.
Hereditary factor VIII deficiency disease (HEMA). Also called: Hemophilia A; HEMOPHILIA, CLASSIC; AUTOSOMAL HEMOPHILIA A; Hemophilia A, congenital; HEM A; Factor 8 deficiency, congenital. Identifiers: Orphanet 98878, MedGen C0019069, MONDO:0010602, OMIM 306700.

Allele frequency attached by ClinVar (database versions not stated): gnomAD 0.00025 and 0.00014; gnomAD exomes 0.00059 and 0.00042; ExAC 0.00066; 1000 Genomes Project 0.00079; 1000 Genomes Project 30x 0.00083; TOPMed 0.00023.
gnomAD v4.1: 480 of 1,207,994 alleles (0.04%); highest among the groups gnomAD compares: East Asian, 1.3%; 8 homozygotes.

Submissions (11):

ClinGen Coagulation Factor Deficiency Variant Curation Expert Panel, Clingen
Classification: Benign for Hereditary factor VIII deficiency disease. Last evaluated: 2025-05-02. Review status: reviewed by expert panel. Criteria: ClinGen CoagFactor ACMG Specifications F8 V1.0.0. Collection method: curation. Allele origin: germline. Inheritance: X-linked inheritance.
Comment: The c.3169G>A variant in F8 is a missense variant predicted to cause substitution of Glutamate by Lysine at amino acid 1057 (p.Glu1057Lys), affecting the B domain. The highest population minor allele frequency in gnomAD v2.1.1 is 0.006666 (99/14852 alleles) in the East Asian population with 28 hemizygotes, which is higher than the ClinGen Coagulation Factor Deficiency VCEP threshold (>=0.000333) for BA1. The computational predictor REVEL gives a score of 0.651, which is above the CFD VCEP threshold of >=0.6, evidence that correlates with impact to F8 function (PP3). This variant was also identified in a proband with a diagnosis of hemophilia B and not hemophilia A, so the BS2 code was applied. In summary, this variant is classified as a benign for hemophilia A based on the ACMG/AMP criteria applied, as specified by the ClinGen Coagulation Factor Deficiency Variant Curation Expert Panel (version 1.0.0, released 10/5/2023): BA1, BS2, PP3.

Genesolutions, Medical Genetics Institutes, Ho Chi Minh City, Vietnam
Classification: Uncertain significance for Hereditary factor VIII deficiency disease. Last evaluated: 2025-09-24. Review status: criteria provided, single submitter. Criteria: ACMG Guidelines, 2015. Collection method: clinical testing. Allele origin: germline. Affected: yes. Not counted in ClinVar's aggregate classification.

Mayo Clinic Laboratories, Mayo Clinic
Classification: Uncertain significance. Last evaluated: 2024-06-28. Review status: criteria provided, single submitter. Criteria: ACMG Guidelines, 2015. Collection method: clinical testing. Allele origin: germline. Observed: 1 variant allele. Not counted in ClinVar's aggregate classification.
Comment: BS1, BS2, PS3_supporting, PS4_moderate

Women's Health and Genetics/Laboratory Corporation of America, LabCorp
Classification: Uncertain significance. Last evaluated: 2023-11-03. Review status: criteria provided, single submitter. Criteria: LabCorp Variant Classification Summary - May 2015. Collection method: clinical testing. Allele origin: germline. Not counted in ClinVar's aggregate classification.
Comment: Variant summary: F8 c.3169G>A (p.Glu1057Lys) results in a conservative amino acid change in the encoded protein sequence. Three of five in-silico tools predict a damaging effect of the variant on protein function. The variant allele was found at a frequency of 0.00059 in 182664 control chromosomes, predominantly at a frequency of 0.0071 within the East Asian subpopulation in the gnomAD database, including 1 homozygote and 36 hemizygotes across the subpopulations. This frequency is not significantly higher than estimated for a pathogenic variant in F8 causing Factor VIII Deficiency (Hemophilia A) (0.00059 vs 0.0098), allowing no conclusion about variant significance. c.3169G>A has been reported in the literature in individuals affected with Factor VIII Deficiency (Hemophilia A) without strong evidence of causality (e.g. Higuchi_1991b, Chan_1996, Hwang_2009, Luu_2019, Li_2020, Chen_2021). These reports do not provide unequivocal conclusions about association of the variant with Factor VIII Deficiency (Hemophilia A). At least one publication reports experimental evidence evaluating an impact on protein function, finding that the variant results in reduced FVIII activity and antigen values in HEK293T cells (Pahl_2014). The following publications have been ascertained in the context of this evaluation (PMID: 1924291, 8639447, 19719548, 29296726, 32190902, 34272389, 33706050, 33245802, 35770352, 30913330, 24108539). Four submitters have cited clinical-significance assessments for this variant to ClinVar after 2014, and classified it as uncertain significance (n=2), likely pathogenic (n=1) or pathogenic (n=1). Based on the evidence outlined above, the variant was classified as VUS-possibly pathogenic.

Laboratory for Molecular Medicine, Mass General Brigham Personalized Medicine
Classification: Uncertain significance for Hereditary factor VIII deficiency disease. Last evaluated: 2022-11-03. Review status: criteria provided, single submitter. Criteria: ACMG Guidelines, 2015. Collection method: clinical testing. Allele origin: germline. Not counted in ClinVar's aggregate classification.
Comment: The p.Glu1057Lys (NM_000132.3 c.3169G>A) variant in F8 has been reported hemizygously in three males with Hemophilia A and low factor VIII levels, though one of these individuals carried a second pathogenic variant (Higuchi 1991, Chan 1996, Huang 2009). This variant has also been reported in ClinVar (Variation ID#10251). This variant has been identified in 0.7% (95/13902) of East Asian chromosomes, including 1 homozygote and 29 hemizygotes, by the Genome Aggregation Database (gnomAD; dbSNP rs28933673). In vitro functional studies provide some evidence that the p.Glu1057Lys variant may impact protein function (Pahl 2014); however, these types of assays may not accurately represent biological function. In summary, while there is some suspicion for a pathogenic role, the clinical significance of the p.Glu1057Lys variant is uncertain.

Institute of Immunology and Genetics Kaiserslautern
Classification: Likely pathogenic for Hereditary factor VIII deficiency disease. Last evaluated: 2022-08-05. Review status: criteria provided, single submitter. Criteria: ACMG Guidelines, 2015. Collection method: clinical testing. Allele origin: germline. Not counted in ClinVar's aggregate classification.
Comment: ACMG Criteria: PS3, PP2, PP3, PP5; Variant was found in heterozygous state.

Mendelics
Classification: Pathogenic for Thrombophilia, X-linked, due to factor 8 defect. Last evaluated: 2022-05-04. Review status: criteria provided, single submitter. Criteria: Mendelics Assertion Criteria 2019. Collection method: clinical testing. Allele origin: germline. Not counted in ClinVar's aggregate classification.

Victorian Clinical Genetics Services, Murdoch Childrens Research Institute
Classification: Uncertain significance for Hereditary factor VIII deficiency disease. Last evaluated: 2022-02-02. Review status: criteria provided, single submitter. Criteria: ACMG Guidelines, 2015. Collection method: clinical testing. Allele origin: germline. Inheritance: X-linked recessive inheritance. Not counted in ClinVar's aggregate classification.
Comment: Based on the classification scheme VCGS_Germline_v1.3.4, this variant is classified as VUS-3B. Following criteria are met: 0102 - Loss of function is a known mechanism of disease in this gene and is associated with haemophilia A (MIM#306700). (I) 0109 - This gene is associated with X-linked recessive disease. (I) 0200 - Variant is predicted to result in a missense amino acid change from glutamic acid to lysine. (I) 0253 - This variant is hemizygous. (I) 0304 - Variant is present in gnomAD (v2) <0.01 for a recessive condition (71 heterozygotes, 1 homozygote, 36 hemizygotes). (SP) 0502 - Missense variant with conflicting in silico predictions and uninformative conservation. (I) 0600 - Variant is located in the annotated B domain (PMID: 24108539). (I) 0705 - No comparable missense variants have previous evidence for pathogenicity. (I) 0808 - Previous reports of pathogenicity for this variant are conflicting. It has been reported in at least three individuals with haemophilia A (PMIDs: 1924291, 19719548, 30913330). It has also been reported as polymorphism in a haemophilia A cohort, and as hemizygous in an individual with haemophilia B (PMIDs: 18479430, 29296726). It has been reported as both likely pathogenic and uncertain significance in ClinVar. (I) 0905 - No published segregation evidence has been identified for this variant. (I) 1010 - Functional evidence for this variant is inconclusive. Authors of a functional study using transfected HEK cells described that the variant protein had mildly decreased factor VIII activity and significantly reduced thermostability (PMID: 24108539), however their raw data was incomplete and not convincing. (I) 1208 - Inheritance information for this variant is not currently available in this individual. (I) Legend: (SP) - Supporting pathogenic, (I) - Information, (SB) - Supporting benign

Soonchunhyang University Bucheon Hospital, Soonchunhyang University Medical Center
Classification: Likely pathogenic for Hereditary factor VIII deficiency disease. Last evaluated: 2016-03-18. Review status: criteria provided, single submitter. Criteria: ACMG Guidelines, 2015. Collection method: reference population. Allele origin: germline. Observed: 2 variant alleles. Not counted in ClinVar's aggregate classification.

UCLA Clinical Genomics Center, UCLA
Classification: Likely pathogenic for Hereditary factor VIII deficiency disease. Last evaluated: 2013-04-16. Review status: criteria provided, single submitter. Criteria: Lee et al. (JAMA. 2014). Collection method: clinical testing. Allele origin: germline. Inheritance: X-linked inheritance. Affected: yes. Study: CES. Not counted in ClinVar's aggregate classification.

OMIM
Classification: Pathogenic for HEMOPHILIA A. Last evaluated: 1993-02-01. Review status: no assertion criteria provided. Collection method: literature only. Allele origin: germline. Not counted in ClinVar's aggregate classification.

Literature cited by the submitters: PubMed 1924291 (cited by 6 submitters); PubMed 19719548 (cited by 4 submitters); PubMed 24108539 (cited by 5 submitters); PubMed 27292088 (cited by Mayo Clinic Laboratories, Mayo Clinic and Laboratory for Molecular Medicine, Mass General Brigham Personalized Medicine); PubMed 29296726 (cited by 3 submitters); PubMed 30913330 (cited by 3 submitters); PubMed 34272389 (cited by Women's Health and Genetics/Laboratory Corporation of America, LabCorp); PubMed 35770352 (cited by Women's Health and Genetics/Laboratory Corporation of America, LabCorp); PubMed 33706050 (cited by Women's Health and Genetics/Laboratory Corporation of America, LabCorp); PubMed 33245802 (cited by Women's Health and Genetics/Laboratory Corporation of America, LabCorp); PubMed 32190902 (cited by Women's Health and Genetics/Laboratory Corporation of America, LabCorp); PubMed 8639447 (cited by Women's Health and Genetics/Laboratory Corporation of America, LabCorp and Laboratory for Molecular Medicine, Mass General Brigham Personalized Medicine); PubMed 25326637 (cited by Laboratory for Molecular Medicine, Mass General Brigham Personalized Medicine); PubMed 18479430 (cited by Victorian Clinical Genetics Services, Murdoch Childrens Research Institute); PubMed 8449505 (cited by OMIM).